The following is an entry in ClinVar:

NM_014003.4(DHX38):c.771G>A (p.Val257=)

Gene: DHX38 (DEAH-box helicase 38; plus strand). Cytogenetic location: 16q22.2.
Variant type: single nucleotide variant.
Coding change: c.771G>A on transcript NM_014003.4 (MANE Select); coding-DNA position 771, G replaced by A.
Protein change: p.Val257=; no amino-acid change (valine 257 retained).
Molecular consequence: synonymous variant.
Genome position (GRCh38, 1-based): chr16:72,098,933, G>A. VCF-style: chr16-72098933-G-A. GRCh37 (hg19) VCF-style: chr16-72132832-G-A.
Identifiers: ClinVar variation 1168096 (VCV001168096.30), dbSNP rs150221434, ClinGen allele CA8160082.

ClinVar aggregate classification (germline): Benign/Likely benign. Review status: criteria provided, multiple submitters, no conflicts (2 of 4 stars). 5 submissions from 5 submitters: Benign (1); Likely benign (2). 2 of the submissions do not count toward it. Last evaluated 2026-02-01.

Allele frequency attached by ClinVar (database versions not stated): 1000 Genomes Project 30x 0.00062; 1000 Genomes Project 0.00080; gnomAD 0.00128 and 0.00130; TOPMed 0.00134; ESP Exome Variant Server 0.00139; gnomAD exomes 0.00166 and 0.00174; ExAC 0.00179.
gnomAD v4.1: 2,747 of 1,614,232 alleles (0.17%); highest among the groups gnomAD compares: Middle Eastern, 0.5%; 3 homozygotes.

Submissions (5):

Labcorp Genetics (formerly Invitae), Labcorp
Classification: Benign. Last evaluated: 2026-02-01. Review status: criteria provided, single submitter. Criteria: Invitae Variant Classification Sherloc (09022015). Collection method: clinical testing. Allele origin: germline.

CeGaT Center for Human Genetics Tuebingen
Classification: Likely benign. Last evaluated: 2025-07-01. Review status: criteria provided, single submitter. Criteria: CeGaT Center For Human Genetics Tuebingen Variant Classification Criteria Version 2. Collection method: clinical testing. Allele origin: germline. Affected: yes. Observed: 3 variant alleles.
Comment: DHX38: BP4, BP7

Blueprint Genetics
Classification: Likely benign. Last evaluated: 2024-11-14. Review status: criteria provided, single submitter. Criteria: ACMG Guidelines, 2015. Collection method: clinical testing. Allele origin: germline.

Clinical Genetics DNA and cytogenetics Diagnostics Lab, Erasmus MC, Erasmus Medical Center
Classification: Likely benign. Review status: no assertion criteria provided. Collection method: clinical testing. Allele origin: germline. Affected: yes. Study: VKGL Data-share Consensus. Not counted in ClinVar's aggregate classification.

Clinical Genetics, Academic Medical Center
Classification: Likely benign. Review status: no assertion criteria provided. Collection method: clinical testing. Allele origin: germline. Affected: yes. Study: VKGL Data-share Consensus. Not counted in ClinVar's aggregate classification.